The following is an entry in ClinVar:

ClinVar aggregate classification (germline): Uncertain significance. Review status: criteria provided, multiple submitters, no conflicts (2 of 4 stars). 2 submissions from 2 submitters: Uncertain significance (2). Last evaluated 2024-06-20.

Conditions:
Idiopathic generalized epilepsy. Also called: Generalised epilepsy; EIG. Identifiers: MedGen C0270850, MONDO:0005579, OMIM 600669.
Hyperaldosteronism, familial, type IV (HALD4). Also called: FH IV; ALDOSTERONISM, PRIMARY, AND HYPERTENSION. Identifiers: Orphanet 642671, MedGen C4310756, MONDO:0014875, OMIM 617027.

Allele frequency attached by ClinVar (database versions not stated): gnomAD exomes below 0.00001.
gnomAD v4.1: 4 of 1,593,880 alleles (0.00025%); highest among the groups gnomAD compares: Admixed American, 0.0035%; no homozygotes.

Submissions (2):

Labcorp Genetics (formerly Invitae), Labcorp
Classification: Uncertain significance for Idiopathic generalized epilepsy; Hyperaldosteronism, familial, type IV. Last evaluated: 2024-06-20. Review status: criteria provided, single submitter. Criteria: Invitae Variant Classification Sherloc (09022015). Collection method: clinical testing. Allele origin: germline.
Comment: This sequence change replaces threonine, which is neutral and polar, with isoleucine, which is neutral and non-polar, at codon 1087 of the CACNA1H protein (p.Thr1087Ile). This variant is not present in population databases (gnomAD no frequency). This variant has not been reported in the literature in individuals affected with CACNA1H-related conditions. ClinVar contains an entry for this variant (Variation ID: 582913). Advanced modeling of protein sequence and biophysical properties (such as structural, functional, and spatial information, amino acid conservation, physicochemical variation, residue mobility, and thermodynamic stability) performed at Invitae indicates that this missense variant is not expected to disrupt CACNA1H protein function with a negative predictive value of 80%. In summary, the available evidence is currently insufficient to determine the role of this variant in disease. Therefore, it has been classified as a Variant of Uncertain Significance.

Breakthrough Genomics
Classification: Uncertain significance. Review status: criteria provided, single submitter. Criteria: ACMG Guidelines, 2015. Collection method: not provided. Allele origin: germline. Inheritance: Autosomal dominant inheritance. Affected: yes.

NM_021098.3(CACNA1H):c.3260C>T (p.Thr1087Ile)

Gene: CACNA1H (calcium voltage-gated channel subunit alpha1 H; plus strand). Cytogenetic location: 16p13.3.
Variant type: single nucleotide variant.
Coding change: c.3260C>T on transcript NM_021098.3 (MANE Select); coding-DNA position 3260, C replaced by T.
Protein change: p.Thr1087Ile; replaces threonine 1087 with isoleucine.
Molecular consequence: missense variant.
Genome position (GRCh38, 1-based): chr16:1,208,118, C>T. VCF-style: chr16-1208118-C-T. GRCh37 (hg19) VCF-style: chr16-1258118-C-T.
Other names: c.3260C>T, p.Thr1087Ile (NM_001005407.2); short protein forms T1087I.
Identifiers: ClinVar variation 582913 (VCV000582913.12), dbSNP rs772383239, ClinGen allele CA276661878.